The following is an entry in ClinVar:

NM_006231.4(POLE):c.6548C>T (p.Pro2183Leu)

Gene: POLE (DNA polymerase epsilon, catalytic subunit; minus strand). Cytogenetic location: 12q24.33.
Variant type: single nucleotide variant.
Coding change: c.6548C>T on transcript NM_006231.4 (MANE Select); coding-DNA position 6548, C replaced by T.
Protein change: p.Pro2183Leu; replaces proline 2183 with leucine.
Molecular consequence: missense variant.
Genome position (GRCh38, 1-based): chr12:132,625,754, G>A on the plus strand (C>T on the coding strand, the complement: POLE is on the minus strand). VCF-style: chr12-132625754-G-A. GRCh37 (hg19) VCF-style: chr12-133202340-G-A.
Other names: short protein forms P2183L.
Identifiers: ClinVar variation 3422203 (VCV003422203.1).

ClinVar aggregate classification (germline): Uncertain significance (1 of 4 stars; one submission).

Conditions:
Hereditary cancer-predisposing syndrome. Also called: Neoplastic Syndromes, Hereditary; Tumor predisposition; Hereditary Cancer Syndrome; Hereditary neoplastic syndrome. Identifiers: Orphanet 140162, MedGen C0027672, MeSH D009386, MONDO:0015356.

Submission:

Ambry Genetics
Classification: Uncertain significance for Hereditary cancer-predisposing syndrome. Last evaluated: 2024-10-21. Review status: criteria provided, single submitter. Criteria: Ambry Variant Classification Scheme 2023. Collection method: clinical testing. Allele origin: germline.
Comment: The p.P2183L variant (also known as c.6548C>T), located in coding exon 47 of the POLE gene, results from a C to T substitution at nucleotide position 6548. The proline at codon 2183 is replaced by leucine, an amino acid with similar properties. This amino acid position is conserved. In addition, the in silico prediction for this alteration is inconclusive. Based on the available evidence, the clinical significance of this variant remains unclear.